The following is an entry in ClinVar:

NM_000059.4(BRCA2):c.7492A>G (p.Lys2498Glu)

Gene: BRCA2 (BRCA2 DNA repair associated; plus strand). Cytogenetic location: 13q13.1.
Variant type: single nucleotide variant.
Coding change: c.7492A>G on transcript NM_000059.4 (MANE Select); coding-DNA position 7492, A replaced by G.
Protein change: p.Lys2498Glu; replaces lysine 2498 with glutamic acid.
Molecular consequence: missense variant. On other transcripts: non-coding transcript variant (1).
Genome position (GRCh38, 1-based): chr13:32,356,484, A>G. VCF-style: chr13-32356484-A-G. GRCh37 (hg19) VCF-style: chr13-32930621-A-G.
Other names: c.7396A>G, p.Lys2466Glu (NM_001406719.1); c.7492A>G, p.Lys2498Glu (NM_001406720.1, NM_001432077.1); c.2560A>G, p.Lys854Glu (NM_001406721.1); c.1075A>G, p.Lys359Glu (NM_001406722.1); short protein forms K2498E, K2466E, K359E, K854E.
Identifiers: ClinVar variation 4737641 (VCV004737641.1).
Genomic context (GRCh38, chr13:32,356,484, plus strand): 5'-ATAGATTTAATTACAAGTCTTCAGAATGCCAGAGATATACAGGATATGCGAATTAAGAAG[A>G]AACAAAGGCAACGCGTCTTTCCACAGCCAGGCAGTCTGTATCTTGCAAAAACATCCACTC-3'
Protein context (NP_000050.3, residues 2488-2508): RDIQDMRIKK[Lys2498Glu]QRQRVFPQPG

ClinVar aggregate classification (germline): Uncertain significance (1 of 4 stars; one submission).

Conditions:
Hereditary breast ovarian cancer syndrome. Also called: BRCA1- and BRCA2-Associated Hereditary Breast and Ovarian Cancer; Breast and ovarian cancer; Hereditary breast and ovarian cancer; Hereditary breast and ovarian cancer syndrome (HBOC); Hereditary breast and ovarian cancer syndrome; Hereditary breast and/or ovarian cancer syndrome. Identifiers: Orphanet 145, MedGen C0677776, MeSH D061325, MONDO:0003582. Disease mechanism: loss of function.

Submission:

Labcorp Genetics (formerly Invitae), Labcorp
Classification: Uncertain significance for Hereditary breast ovarian cancer syndrome. Last evaluated: 2026-01-21. Review status: criteria provided, single submitter. Criteria: Invitae Variant Classification Sherloc (09022015). Collection method: clinical testing. Allele origin: germline.
Comment: This sequence change replaces lysine, which is basic and polar, with glutamic acid, which is acidic and polar, at codon 2498 of the BRCA2 protein (p.Lys2498Glu). This variant is not present in population databases (gnomAD no frequency). This variant has not been reported in the literature in individuals affected with BRCA2-related conditions. Invitae Evidence Modeling of protein sequence and biophysical properties (such as structural, functional, and spatial information, amino acid conservation, physicochemical variation, residue mobility, and thermodynamic stability) has been performed for this missense variant. However, the output from this modeling did not meet the statistical confidence thresholds required to predict the impact of this variant on BRCA2 protein function. Experimental studies have shown that this missense change affects BRCA2 function (PMID: 29394989). In summary, the available evidence is currently insufficient to determine the role of this variant in disease. Therefore, it has been classified as a Variant of Uncertain Significance.

Literature cited by the submitters: PubMed 29394989.